The following is an entry in ClinVar:

NM_022089.4(ATP13A2):c.747G>A (p.Ala249=)

Gene: ATP13A2 (ATPase cation transporting 13A2; minus strand). Cytogenetic location: 1p36.13.
Variant type: single nucleotide variant.
Coding change: c.747G>A on transcript NM_022089.4 (MANE Select); coding-DNA position 747, G replaced by A.
Protein change: p.Ala249=; no amino-acid change (alanine 249 retained).
Molecular consequence: synonymous variant.
Genome position (GRCh38, 1-based): chr1:17,000,493, C>T on the plus strand (G>A on the coding strand, the complement: ATP13A2 is on the minus strand). VCF-style: chr1-17000493-C-T. GRCh37 (hg19) VCF-style: chr1-17326988-C-T.
Other names: c.732G>A, p.Ala244= (NM_001141973.3, NM_001141974.3).
Identifiers: ClinVar variation 2099999 (VCV002099999.25), dbSNP rs941217137, ClinGen allele CA18642315.

ClinVar aggregate classification (germline): Likely benign. Review status: criteria provided, multiple submitters, no conflicts (2 of 4 stars). 2 submissions from 2 submitters: Likely benign (2). Last evaluated 2026-01-19.

Conditions:
Kufor-Rakeb syndrome (KRS). Also called: PARKINSON DISEASE 9, AUTOSOMAL RECESSIVE, JUVENILE-ONSET. Identifiers: Orphanet 306674, Orphanet 314632, MedGen C1847640, MONDO:0011706, OMIM 606693.
Autosomal recessive spastic paraplegia type 78. Identifiers: Orphanet 513436, MedGen C5567893, MONDO:0014975, OMIM 617225.

Allele frequency attached by ClinVar (database versions not stated): TOPMed below 0.00001; gnomAD 0.00001; gnomAD exomes 0.00001.
gnomAD v4.1: 10 of 1,613,940 alleles (0.00062%); highest among the groups gnomAD compares: Admixed American, 0.0033%; no homozygotes.

Submissions (2):

Labcorp Genetics (formerly Invitae), Labcorp
Classification: Likely benign for Kufor-Rakeb syndrome; Autosomal recessive spastic paraplegia type 78. Last evaluated: 2026-01-19. Review status: criteria provided, single submitter. Criteria: Invitae Variant Classification Sherloc (09022015). Collection method: clinical testing. Allele origin: germline.

CeGaT Center for Human Genetics Tuebingen
Classification: Likely benign. Last evaluated: 2024-03-01. Review status: criteria provided, single submitter. Criteria: CeGaT Center For Human Genetics Tuebingen Variant Classification Criteria Version 2. Collection method: clinical testing. Allele origin: germline. Affected: yes. Observed: 1 variant allele.
Comment: ATP13A2: BP4, BP7